The following is an entry in ClinVar:

NM_000059.4(BRCA2):c.88A>C (p.Asn30His)

Gene: BRCA2 (BRCA2 DNA repair associated; plus strand). Cytogenetic location: 13q13.1.
Variant type: single nucleotide variant.
Coding change: c.88A>C on transcript NM_000059.4 (MANE Select); coding-DNA position 88, A replaced by C.
Protein change: p.Asn30His; replaces asparagine 30 with histidine.
Molecular consequence: missense variant.
Genome position (GRCh38, 1-based): chr13:32,319,097, A>C. VCF-style: chr13-32319097-A-C. GRCh37 (hg19) VCF-style: chr13-32893234-A-C.
Other names: short protein forms N30H.
Identifiers: ClinVar variation 485443 (VCV000485443.22), dbSNP rs1253463092, ClinGen allele CA387754087.

ClinVar aggregate classification (germline): Uncertain significance. Review status: criteria provided, multiple submitters, no conflicts (2 of 4 stars). 3 submissions from 3 submitters: Uncertain significance (3). Last evaluated 2025-01-23.

Conditions:
Hereditary cancer-predisposing syndrome. Also called: Neoplastic Syndromes, Hereditary; Tumor predisposition; Hereditary Cancer Syndrome; Hereditary neoplastic syndrome. Identifiers: Orphanet 140162, MedGen C0027672, MeSH D009386, MONDO:0015356.
Hereditary breast ovarian cancer syndrome. Also called: Hereditary breast and ovarian cancer syndrome; Hereditary breast and ovarian cancer; Hereditary breast and ovarian cancer syndrome (HBOC); Breast and ovarian cancer; Hereditary breast and/or ovarian cancer syndrome; BRCA1- and BRCA2-Associated Hereditary Breast and Ovarian Cancer. Identifiers: Orphanet 145, MedGen C0677776, MeSH D061325, MONDO:0003582. Disease mechanism: loss of function.

Allele frequency attached by ClinVar (database versions not stated): gnomAD 0.00001.
gnomAD v4.1: 1 of 1,611,418 alleles (0.000062%); highest among the groups gnomAD compares: Non-Finnish European, 0.000085%; no homozygotes.

Submissions (3):

Labcorp Genetics (formerly Invitae), Labcorp
Classification: Uncertain significance for Hereditary breast ovarian cancer syndrome. Last evaluated: 2025-01-23. Review status: criteria provided, single submitter. Criteria: Invitae Variant Classification Sherloc (09022015). Collection method: clinical testing. Allele origin: germline.
Comment: This sequence change replaces asparagine, which is neutral and polar, with histidine, which is basic and polar, at codon 30 of the BRCA2 protein (p.Asn30His). This variant is present in population databases (no rsID available, gnomAD 0.007%). This variant has not been reported in the literature in individuals affected with BRCA2-related conditions. ClinVar contains an entry for this variant (Variation ID: 485443). Invitae Evidence Modeling of protein sequence and biophysical properties (such as structural, functional, and spatial information, amino acid conservation, physicochemical variation, residue mobility, and thermodynamic stability) indicates that this missense variant is not expected to disrupt BRCA2 protein function with a negative predictive value of 95%. In summary, the available evidence is currently insufficient to determine the role of this variant in disease. Therefore, it has been classified as a Variant of Uncertain Significance.

Ambry Genetics
Classification: Uncertain significance for Hereditary cancer-predisposing syndrome. Last evaluated: 2024-07-14. Review status: criteria provided, single submitter. Criteria: Ambry Variant Classification Scheme 2023. Collection method: clinical testing. Allele origin: germline.
Comment: The p.N30H variant (also known as c.88A>C), located in coding exon 2 of the BRCA2 gene, results from an A to C substitution at nucleotide position 88. The asparagine at codon 30 is replaced by histidine, an amino acid with similar properties. This amino acid position is well conserved in available vertebrate species. In addition, this alteration is predicted to be tolerated by in silico analysis. Since supporting evidence is limited at this time, the clinical significance of this alteration remains unclear.

Genetic Services Laboratory, University of Chicago
Classification: Uncertain significance. Last evaluated: 2018-12-11. Review status: criteria provided, single submitter. Criteria: ACMG Guidelines, 2015. Collection method: clinical testing. Allele origin: germline. Affected: no.